The following is an entry in ClinVar:

NM_004519.4(KCNQ3):c.2320A>G (p.Ile774Val)

Gene: KCNQ3 (potassium voltage-gated channel subfamily Q member 3; minus strand). Cytogenetic location: 8q24.22.
Variant type: single nucleotide variant.
Coding change: c.2320A>G on transcript NM_004519.4 (MANE Select); coding-DNA position 2320, A replaced by G.
Protein change: p.Ile774Val; replaces isoleucine 774 with valine.
Molecular consequence: missense variant.
Genome position (GRCh38, 1-based): chr8:132,129,561, T>C on the plus strand (A>G on the coding strand, the complement: KCNQ3 is on the minus strand). VCF-style: chr8-132129561-T-C. GRCh37 (hg19) VCF-style: chr8-133141808-T-C.
Other names: c.1960A>G, p.Ile654Val (NM_001204824.2); short protein forms I654V, I774V.
Identifiers: ClinVar variation 663775 (VCV000663775.8), dbSNP rs1284135753, ClinGen allele CA372216143.
Genomic context (GRCh38, chr8:132,129,561, plus strand): 5'-ACATCAGGGACAGAGGTGTGTCACTGTCTCGCGTGATGCTACGTCTCTGCCGGGGGGAGA[T>C]TCGGTCCGAGTAGGGGCCCTGCAGGTCAGCCTGGGAGTGGCAGCTCACTCGGGAGTCGAG-3'
Protein context (NP_004510.1, residues 764-784): ADLQGPYSDR[Ile774Val]SPRQRRSITR

ClinVar aggregate classification (germline): Uncertain significance (1 of 4 stars; one submission).

Conditions:
Benign neonatal seizures. Also called: Convulsions benign familial neonatal dominant form; Autosomal dominant form of benign neonatal seizures; Benign familial neonatal seizures; Benign neonatal familial convulsions; Benign familial neonatal epilepsy. Identifiers: Orphanet 1949, MedGen C0220669, MONDO:0016027.

Allele frequency attached by ClinVar (database versions not stated): gnomAD exomes below 0.00001; gnomAD 0.00001.
gnomAD v4.1: 12 of 1,613,904 alleles (0.00074%); highest among the groups gnomAD compares: Admixed American, 0.0017%; no homozygotes.

Submission:

Labcorp Genetics (formerly Invitae), Labcorp
Classification: Uncertain significance for Benign neonatal seizures. Last evaluated: 2025-01-15. Review status: criteria provided, single submitter. Criteria: Invitae Variant Classification Sherloc (09022015). Collection method: clinical testing. Allele origin: germline.
Comment: This sequence change replaces isoleucine, which is neutral and non-polar, with valine, which is neutral and non-polar, at codon 774 of the KCNQ3 protein (p.Ile774Val). This variant is present in population databases (no rsID available, gnomAD 0.0009%). This variant has not been reported in the literature in individuals affected with KCNQ3-related conditions. ClinVar contains an entry for this variant (Variation ID: 663775). Invitae Evidence Modeling of protein sequence and biophysical properties (such as structural, functional, and spatial information, amino acid conservation, physicochemical variation, residue mobility, and thermodynamic stability) indicates that this missense variant is not expected to disrupt KCNQ3 protein function with a negative predictive value of 95%. In summary, the available evidence is currently insufficient to determine the role of this variant in disease. Therefore, it has been classified as a Variant of Uncertain Significance.